The following is an entry in ClinVar:

ClinVar aggregate classification (germline): Likely benign (1 of 4 stars; one submission).

Submission:

GeneDx
Classification: Likely benign. Last evaluated: 2017-04-21. Review status: criteria provided, single submitter. Criteria: GeneDx Variant Classification (06012015). Collection method: clinical testing. Allele origin: germline. Affected: yes.
Comment: This variant is considered likely benign or benign based on one or more of the following criteria: it is a conservative change, it occurs at a poorly conserved position in the protein, it is predicted to be benign by multiple in silico algorithms, and/or has population frequency not consistent with disease.

NM_001085411.3(NADK2):c.1191-6G>T

Gene: NADK2 (NAD kinase 2, mitochondrial; minus strand). Cytogenetic location: 5p13.2.
Variant type: single nucleotide variant.
Coding change: c.1191-6G>T on transcript NM_001085411.3 (MANE Select); 6 bases into the intron before coding-DNA position 1191, G replaced by T.
Molecular consequence: intron variant.
Genome position (GRCh38, 1-based): chr5:36,195,288, C>A on the plus strand (G>T on the coding strand, the complement: NADK2 is on the minus strand). VCF-style: chr5-36195288-C-A. GRCh37 (hg19) VCF-style: chr5-36195390-C-A.
Other names: c.702-6G>T (NM_153013.5, NM_001287340.2); c.768-6G>T (NM_001287341.2).
Identifiers: ClinVar variation 508264 (VCV000508264.1), dbSNP rs1554006847, ClinGen allele CA658796517.